The following is an entry in ClinVar:

NM_006517.5(SLC16A2):c.1277del (p.Phe426fs)

Gene: SLC16A2 (solute carrier family 16 member 2; plus strand). Cytogenetic location: Xq13.2.
Variant type: Deletion.
Coding change: c.1277del on transcript NM_006517.5 (MANE Select); coding-DNA position 1277, one base deleted (T; older notation c.1277delT).
Protein change: p.Phe426fs; shifts the reading frame from phenylalanine 426.
Molecular consequence: frameshift variant.
Genome position (GRCh38, 1-based): chrX:74,529,319, T deleted; the last of 2 consecutive T bases (chrX:74,529,318-74,529,319); deleting either gives the same sequence. VCF-style (leftmost placement, unchanged base first): chrX-74529317-CT-C. GRCh37 (hg19) VCF-style: chrX-73749152-CT-C.
Other names: short protein forms F426fs.
Identifiers: ClinVar variation 3773848 (VCV003773848.1).
Genomic context (GRCh38, chrX:74,529,317, plus strand): 5'-CCTGTGCCGGGACTTCGGGGGCCTTATCGTCGTCTGTCTTTTCCTGGGCCTTTGCGATGG[CT>C]TCTTCATCACCATCATGGCCCCCATTGCATTTGAGCTGGTGGGCCCAATGCAGGCCTCAC-3'

ClinVar aggregate classification (germline): Pathogenic (1 of 4 stars; one submission).

Conditions:
Allan-Herndon-Dudley syndrome (AHDS). Also called: T3 RESISTANCE; TRIIODOTHYRONINE RESISTANCE; Passos-Bueno syndrome; ALLAN-HERNDON SYNDROME; MENTAL RETARDATION AND MUSCULAR ATROPHY. Identifiers: Orphanet 59, MedGen C0795889, MONDO:0010354, OMIM 300523.

Submission:

Rady Children's Institute for Genomic Medicine, Rady Children's Hospital San Diego
Classification: Pathogenic for ALLAN-HERNDON-DUDLEY SYNDROME. Last evaluated: 2023-11-18. Review status: criteria provided, single submitter. Criteria: ACMG Guidelines, 2015. Collection method: clinical testing. Allele origin: germline. Affected: yes.
Comment: This frameshifting variant in exon 5 of 6 is predicted to result in loss of normal protein function through either protein truncation or nonsense-mediated mRNA decay. This variant has not been previously reported or functionally characterized in the literature to our knowledge. Loss of function variants are reported downstream of this alteration (PMID: 32559475, 30369548, 20083155). The c.1277del (p.Phe426SerfsTer29) variant is absent from the gnomAD population database and thus is presumed to be rare. Analysis of the parental samples was negative for the variant, indicating this variant likely occurred as a de novo event. Based on the available evidence, c.1277del (p.Phe426SerfsTer29) is classified as Pathogenic.

Literature cited by the submitters: PubMed 32559475; 30369548; 20083155.